The following is an entry in ClinVar:

ClinVar aggregate classification (germline): Pathogenic (1 of 4 stars; one submission).

Conditions:
Familial thoracic aortic aneurysm and aortic dissection (TAAD). Also called: Thoracic aortic aneurysms and dissections. Identifiers: Orphanet 91387, MedGen C4707243, MONDO:0019625.
Marfan syndrome (MFS). Also called: MARFAN SYNDROME, TYPE I; Marfan syndrome type 1; Marfan's syndrome; Marfan syndrome, classic; FBN1-Related Marfan Syndrome. Identifiers: Orphanet 284963, Orphanet 558, MedGen C0024796, MONDO:0007947, OMIM 154700.

Submission:

Labcorp Genetics (formerly Invitae), Labcorp
Classification: Pathogenic for Marfan syndrome; Familial thoracic aortic aneurysm and aortic dissection. Last evaluated: 2022-02-27. Review status: criteria provided, single submitter. Criteria: Invitae Variant Classification Sherloc (09022015). Collection method: clinical testing. Allele origin: germline.
Comment: This variant has not been reported in the literature in individuals affected with FBN1-related conditions. This variant is not present in population databases (gnomAD no frequency). This sequence change creates a premature translational stop signal (p.Tyr2814*) in the FBN1 gene. While this is not anticipated to result in nonsense mediated decay, it is expected to disrupt the last 58 amino acid(s) of the FBN1 protein. This variant disrupts a region of the FBN1 protein in which other variant(s) (p.Gln2867*) have been determined to be pathogenic (PMID: 19293843). This suggests that this is a clinically significant region of the protein, and that variants that disrupt it are likely to be disease-causing. For these reasons, this variant has been classified as Pathogenic.

Literature cited by the submitters: PubMed 19293843.

NM_000138.5(FBN1):c.8442C>A (p.Tyr2814Ter)

Gene: FBN1 (fibrillin 1; minus strand). Cytogenetic location: 15q21.1.
Variant type: single nucleotide variant.
Coding change: c.8442C>A on transcript NM_000138.5 (MANE Select); coding-DNA position 8442, C replaced by A.
Protein change: p.Tyr2814Ter; replaces tyrosine 2814 with a stop codon.
Molecular consequence: nonsense.
Genome position (GRCh38, 1-based): chr15:48,411,164, G>T on the plus strand (C>A on the coding strand, the complement: FBN1 is on the minus strand). VCF-style: chr15-48411164-G-T. GRCh37 (hg19) VCF-style: chr15-48703361-G-T.
Other names: c.8442C>A, p.Tyr2814Ter (NM_001406716.1); short protein forms Y2814*.
Identifiers: ClinVar variation 2103774 (VCV002103774.4), dbSNP rs2505371030, ClinGen allele CA392319036.